The following is an entry in ClinVar:

ClinVar aggregate classification (germline): Uncertain significance. Review status: criteria provided, multiple submitters, no conflicts (2 of 4 stars). 5 submissions from 5 submitters: Uncertain significance (5). Last evaluated 2025-01-03.

Conditions:
Inborn genetic diseases. Identifiers: MedGen C0950123, MeSH D030342.
EVC-related disorder. Also called: EVC-related disorders; EVC-related condition.
Curry-Hall syndrome (WAD). Also called: WEYERS ACRODENTAL DYSOSTOSIS. Identifiers: Orphanet 952, MedGen C0457013, MONDO:0008673, OMIM 193530.
Ellis-van Creveld syndrome (EVC). Also called: Chondroectodermal dysplasia; MESOECTODERMAL DYSPLASIA. Identifiers: Orphanet 289, MedGen C0013903, MONDO:0009162, OMIM 225500.

Allele frequency attached by ClinVar (database versions not stated): TOPMed 0.00008; gnomAD 0.00009; ExAC 0.00011; gnomAD exomes 0.00015 and 0.00021; 1000 Genomes Project 30x 0.00016; 1000 Genomes Project 0.00020; ESP Exome Variant Server 0.00023.
gnomAD v4.1: 307 of 1,614,042 alleles (0.019%); highest among the groups gnomAD compares: Non-Finnish European, 0.025%; no homozygotes.

Submissions (5):

PreventionGenetics, part of Exact Sciences
Classification: Uncertain significance for EVC-related condition. Last evaluated: 2025-01-03. Review status: criteria provided, single submitter. Criteria: ACMG Guidelines, 2015. Collection method: clinical testing. Allele origin: germline.
Comment: The EVC c.899A>C variant is predicted to result in the amino acid substitution p.Glu300Ala. To our knowledge, this variant has not been reported in the literature. This variant is reported in 0.029% of alleles in individuals of European (Non-Finnish) descent in gnomAD. At this time, the clinical significance of this variant is uncertain due to the absence of conclusive functional and genetic evidence.

Ambry Genetics
Classification: Uncertain significance for Inborn genetic diseases. Last evaluated: 2024-09-27. Review status: criteria provided, single submitter. Criteria: Ambry Variant Classification Scheme 2023. Collection method: clinical testing. Allele origin: germline.

Institute of Human Genetics, University of Leipzig Medical Center
Classification: Uncertain significance for Ellis-van Creveld syndrome. Last evaluated: 2023-01-04. Review status: criteria provided, single submitter. Criteria: ACMG Guidelines, 2015. Collection method: clinical testing. Allele origin: unknown. Affected: yes.
Comment: This variant was identified as homozygous._x000D_ Criteria applied: PM2_SUP, PM3_SUP, PP3

Labcorp Genetics (formerly Invitae), Labcorp
Classification: Uncertain significance for Curry-Hall syndrome; Ellis-van Creveld syndrome. Last evaluated: 2022-09-19. Review status: criteria provided, single submitter. Criteria: Invitae Variant Classification Sherloc (09022015). Collection method: clinical testing. Allele origin: germline.
Comment: This sequence change replaces glutamic acid, which is acidic and polar, with alanine, which is neutral and non-polar, at codon 300 of the EVC protein (p.Glu300Ala). This variant is present in population databases (rs149529742, gnomAD 0.03%). This variant has not been reported in the literature in individuals affected with EVC-related conditions. ClinVar contains an entry for this variant (Variation ID: 349166). Advanced modeling of protein sequence and biophysical properties (such as structural, functional, and spatial information, amino acid conservation, physicochemical variation, residue mobility, and thermodynamic stability) performed at Invitae indicates that this missense variant is expected to disrupt EVC protein function. In summary, the available evidence is currently insufficient to determine the role of this variant in disease. Therefore, it has been classified as a Variant of Uncertain Significance.

Illumina Laboratory Services, Illumina
Classification: Uncertain significance for Ellis-van Creveld syndrome. Last evaluated: 2018-01-12. Review status: criteria provided, single submitter. Criteria: ICSL Variant Classification Criteria 13 December 2019. Collection method: clinical testing. Allele origin: germline.

NM_153717.3(EVC):c.899A>C (p.Glu300Ala)

Gene: EVC (EvC ciliary complex subunit 1; plus strand). Cytogenetic location: 4p16.2.
Variant type: single nucleotide variant.
Coding change: c.899A>C on transcript NM_153717.3 (MANE Select); coding-DNA position 899, A replaced by C.
Protein change: p.Glu300Ala; replaces glutamic acid 300 with alanine.
Molecular consequence: missense variant.
Genome position (GRCh38, 1-based): chr4:5,745,301, A>C. VCF-style: chr4-5745301-A-C. GRCh37 (hg19) VCF-style: chr4-5747028-A-C.
Other names: c.899A>C, p.Glu300Ala (NM_001306090.2, NM_001306092.2); short protein forms E300A.
Identifiers: ClinVar variation 349166 (VCV000349166.12), dbSNP rs149529742, ClinGen allele CA2835904.